The following is an entry in ClinVar:

ClinVar aggregate classification (germline): Uncertain significance (1 of 4 stars; one submission).

Conditions:
Polyglandular autoimmune syndrome, type 1 (APS1). Also called: Autoimmune polyendocrine syndrome type 1; Autoimmune polyendocrinopathy syndrome, type I; HYPOADRENOCORTICISM WITH HYPOPARATHYROIDISM AND SUPERFICIAL MONILIASIS; PGA I; APS I; AUTOIMMUNE POLYENDOCRINE SYNDROME, TYPE I, WITH OR WITHOUT REVERSIBLE METAPHYSEAL DYSPLASIA. Identifiers: Orphanet 3453, MedGen C0085859, MONDO:0009411, OMIM 240300.

Allele frequency attached by ClinVar (database versions not stated): gnomAD exomes below 0.00001.
gnomAD v4.1: 1 of 1,611,660 alleles (0.000062%); highest among the groups gnomAD compares: Non-Finnish European, 0.000085%; no homozygotes.

Submission:

Labcorp Genetics (formerly Invitae), Labcorp
Classification: Uncertain significance for Polyglandular autoimmune syndrome, type 1. Last evaluated: 2018-07-24. Review status: criteria provided, single submitter. Criteria: Invitae Variant Classification Sherloc (09022015). Collection method: clinical testing. Allele origin: germline.
Comment: This sequence change affects an acceptor splice site in the last intron (intron 13) of the AIRE gene. While this is not anticipated to result in nonsense mediated decay, it likely alters RNA splicing and results in a disrupted protein product. This variant is not present in population databases (ExAC no frequency). This variant has not been reported in the literature in individuals with AIRE-related disease. Nucleotide substitutions within the consensus splice site are a relatively common cause of aberrant splicing (PMID: 17576681, 9536098). Algorithms developed to predict the effect of sequence changes on RNA splicing suggest that this variant may disrupt the consensus splice site, but this prediction has not been confirmed by published transcriptional studies. In summary, the available evidence is currently insufficient to determine the role of this variant in disease. Therefore, it has been classified as a Variant of Uncertain Significance.

Literature cited by the submitters: PubMed 17576681; PubMed 9536098.

NM_000383.4(AIRE):c.1567-1G>A

Gene: AIRE (autoimmune regulator; plus strand). Cytogenetic location: 21q22.3.
Variant type: single nucleotide variant.
Coding change: c.1567-1G>A on transcript NM_000383.4 (MANE Select); the canonical splice acceptor site of the intron before coding-DNA position 1567, G replaced by A.
Molecular consequence: splice acceptor variant.
Genome position (GRCh38, 1-based): chr21:44,297,655, G>A. VCF-style: chr21-44297655-G-A. GRCh37 (hg19) VCF-style: chr21-45717538-G-A.
Identifiers: ClinVar variation 650125 (VCV000650125.3), dbSNP rs1601973101, ClinGen allele CA410426196.